The following is an entry in ClinVar:

NM_005412.6(SHMT2):c.650G>A (p.Arg217Gln)

Gene: SHMT2 (serine hydroxymethyltransferase 2; plus strand). Cytogenetic location: 12q13.3.
Variant type: single nucleotide variant.
Coding change: c.650G>A on transcript NM_005412.6 (MANE Select); coding-DNA position 650, G replaced by A.
Protein change: p.Arg217Gln; replaces arginine 217 with glutamine.
Molecular consequence: missense variant. On other transcripts: non-coding transcript variant (4).
Genome position (GRCh38, 1-based): chr12:57,232,508, G>A. VCF-style: chr12-57232508-G-A. GRCh37 (hg19) VCF-style: chr12-57626291-G-A.
Other names: c.620G>A, p.Arg207Gln (NM_001166356.2); c.587G>A, p.Arg196Gln (NM_001166357.1, NM_001166358.2, NM_001166359.1); short protein forms R196Q, R207Q, R217Q.
Identifiers: ClinVar variation 3731429 (VCV003731429.3).

ClinVar aggregate classification (germline): Uncertain significance. Review status: criteria provided, multiple submitters, no conflicts (2 of 4 stars). 2 submissions from 2 submitters: Uncertain significance (2). Last evaluated 2023-06-22.

Conditions:
Neurodevelopmental disorder with cardiomyopathy, spasticity, and brain abnormalities. Identifiers: MedGen C5436848, MONDO:0030866, OMIM 619121.

gnomAD v4.1: 15 of 1,614,058 alleles (0.00093%); highest among the groups gnomAD compares: East Asian, 0.0045%; no homozygotes.

Submissions (2):

Neuberg Centre For Genomic Medicine, NCGM
Classification: Uncertain significance for Neurodevelopmental disorder with cardiomyopathy, spasticity, and brain abnormalities. Last evaluated: 2023-06-22. Review status: criteria provided, single submitter. Criteria: ACMG Guidelines, 2015. Collection method: clinical testing. Allele origin: germline. Inheritance: Autosomal recessive inheritance. Affected: yes.
Comment: The missense variant c.650G>A (p.Arg217Gln) in the SHMT2 gene has not been reported previously as a pathogenic variant nor as a benign variant, to our knowledge. This variant is reported with the allele frequency (0.001%) in the gnomAD Exomes. The amino acid Arg at position 217 is changed to a Gln changing protein sequence and it might alter its composition and physico-chemical properties. Multiple lines of computational evidence (Polyphen - Possibly Damaging, SIFT - Damaging and MutationTaster - Disease causing) predict a damaging effect on protein structure and function for this variant. The amino acid change p.Arg217Gln in SHMT2 is predicted as conserved by GERP++ and PhyloP across 100 vertebrates. For these reasons, this variant has been classified as Uncertain Significance.

Juno Genomics, Hangzhou Juno Genomics, Inc
Classification: Uncertain significance for Neurodevelopmental disorder with cardiomyopathy, spasticity, and brain abnormalities. Review status: criteria provided, single submitter. Criteria: ACMG Guidelines, 2015. Collection method: clinical testing. Allele origin: germline.
Comment: Absent from controls (or at extremely low frequency if recessive) in Genome Aggregation Database.